The following is an entry in ClinVar:

NM_001199267.2(DGKZ):c.1514G>A (p.Arg505Gln)

Gene: DGKZ (diacylglycerol kinase zeta; plus strand). Cytogenetic location: 11p11.2.
Variant type: single nucleotide variant.
Coding change: c.1514G>A on transcript NM_001199267.2 (MANE Select); coding-DNA position 1514, G replaced by A.
Protein change: p.Arg505Gln; replaces arginine 505 with glutamine.
Molecular consequence: missense variant.
Genome position (GRCh38, 1-based): chr11:46,374,659, G>A. VCF-style: chr11-46374659-G-A. GRCh37 (hg19) VCF-style: chr11-46396209-G-A.
Other names: c.2081G>A (NM_001105540.1); c.2081G>A, p.Arg694Gln (NM_001105540.2); c.1517G>A, p.Arg506Gln (NM_001199266.2, NM_003646.4); c.1448G>A, p.Arg483Gln (NM_001199268.2); c.1565G>A, p.Arg522Gln (NM_201532.3); c.1529G>A, p.Arg510Gln (NM_201533.3); short protein forms R483Q, R510Q, R506Q, R522Q, R694Q, R505Q.
Identifiers: ClinVar variation 2969375 (VCV002969375.4), dbSNP rs759859781, ClinGen allele CA5962866.

ClinVar aggregate classification (germline): Uncertain significance. Review status: criteria provided, multiple submitters, no conflicts (2 of 4 stars). 2 submissions from 2 submitters: Uncertain significance (2). Last evaluated 2024-09-09.

Allele frequency attached by ClinVar (database versions not stated): gnomAD exomes 0.00001; gnomAD 0.00002; ExAC 0.00004; TOPMed 0.00004.
gnomAD v4.1: 23 of 1,593,606 alleles (0.0014%); highest among the groups gnomAD compares: African/African-American, 0.0067%; no homozygotes.

Submissions (2):

Ambry Genetics
Classification: Uncertain significance. Last evaluated: 2024-09-09. Review status: criteria provided, single submitter. Criteria: Ambry Variant Classification Scheme 2023. Collection method: clinical testing. Allele origin: germline.

Labcorp Genetics (formerly Invitae), Labcorp
Classification: Uncertain significance. Last evaluated: 2022-11-19. Review status: criteria provided, single submitter. Criteria: Invitae Variant Classification Sherloc (09022015). Collection method: clinical testing. Allele origin: germline.
Comment: In summary, the available evidence is currently insufficient to determine the role of this variant in disease. Therefore, it has been classified as a Variant of Uncertain Significance. Algorithms developed to predict the effect of missense changes on protein structure and function are either unavailable or do not agree on the potential impact of this missense change (SIFT: "Tolerated"; PolyPhen-2: "Possibly Damaging"; Align-GVGD: "Class C0"). This variant has not been reported in the literature in individuals affected with DGKZ-related conditions. This variant is present in population databases (rs759859781, gnomAD 0.003%). This sequence change replaces arginine, which is basic and polar, with glutamine, which is neutral and polar, at codon 694 of the DGKZ protein (p.Arg694Gln).